The following is an entry in ClinVar:

ClinVar aggregate classification (germline): Uncertain significance. Review status: criteria provided, multiple submitters, no conflicts (2 of 4 stars). 2 submissions from 2 submitters: Uncertain significance (2). Last evaluated 2024-09-23.

Conditions:
Primary ciliary dyskinesia 26. Also called: CILIARY DYSKINESIA, PRIMARY, 26, WITH OR WITHOUT SITUS INVERSUS; CILIARY DYSKINESIA, PRIMARY, 26, WITH SITUS INVERSUS; CILIARY DYSKINESIA, PRIMARY, 26, WITHOUT SITUS INVERSUS. Identifiers: Orphanet 244, MedGen C3809684, MONDO:0014211, OMIM 615500.

Submissions (2):

Victorian Clinical Genetics Services, Murdoch Childrens Research Institute
Classification: Uncertain significance for Primary ciliary dyskinesia 26. Last evaluated: 2024-09-23. Review status: criteria provided, single submitter. Criteria: ACMG Guidelines, 2015. Collection method: clinical testing. Allele origin: germline. Inheritance: Autosomal recessive inheritance. Affected: yes.
Comment: Based on the classification scheme VCGS_Germline_v1.3.4, this variant is classified as VUS-3A. Following criteria are met: 0102 - Loss of function is a known mechanism of disease in this gene and is associated with primary ciliary dyskinesia 26 (MIM#615500) (PMIDs: 24094744, 26904945). (I) 0106 - This gene is associated with autosomal recessive disease. (I) 0205 - Variant is predicted to result in a truncated protein (premature termination codon is NOT located at least 54 nucleotides upstream of the final exon-exon junction) with less than 1/3 of the protein sequence affected. (SP) 0251 - This variant is heterozygous. (I) 0301 - Variant is absent from gnomAD (both v2 and v3). (SP) 0600 - Variant is expected to disrupt the CFAP298 domain (DECIPHER). (I) 0710 - Another protein truncating variant comparable to the one identified in this case has inconclusive previous evidence for pathogenicity. A downstream truncating variant has been reported in ClinVar once as a variant of unknown significance. (I) 0809 - Previous evidence of pathogenicity for this variant is inconclusive. This variant has been reported once in ClinVar as a variant of unknown significance. (I) 0905 - No published segregation evidence has been identified for this variant. (I) 1007 - No published functional evidence has been identified for this variant. (I) 1208 - Inheritance information for this variant is not currently available in this individual. (I) Legend: (SP) - Supporting pathogenic, (I) - Information, (SB) - Supporting benign

Labcorp Genetics (formerly Invitae), Labcorp
Classification: Uncertain significance. Last evaluated: 2023-07-21. Review status: criteria provided, single submitter. Criteria: Invitae Variant Classification Sherloc (09022015). Collection method: clinical testing. Allele origin: germline.
Comment: Experimental studies and prediction algorithms are not available or were not evaluated, and the functional significance of this variant is currently unknown. In summary, the available evidence is currently insufficient to determine the role of this variant in disease. Therefore, it has been classified as a Variant of Uncertain Significance. ClinVar contains an entry for this variant (Variation ID: 1025340). This variant has not been reported in the literature in individuals affected with CFAP298-related conditions. This variant is not present in population databases (gnomAD no frequency). This sequence change creates a premature translational stop signal (p.Arg277Aspfs*6) in the CFAP298 gene. While this is not anticipated to result in nonsense mediated decay, it is expected to disrupt the last 14 amino acid(s) of the CFAP298 protein.

Literature cited by the submitters: PubMed 24094744 (cited by Victorian Clinical Genetics Services, Murdoch Childrens Research Institute); PubMed 26904945 (cited by Victorian Clinical Genetics Services, Murdoch Childrens Research Institute).

NM_021254.4(CFAP298):c.829del (p.Arg277fs)

Genes: CFAP298 (cilia and flagella associated protein 298; minus strand), CFAP298-TCP10L (CFAP298-TCP10L readthrough; minus strand). Cytogenetic location: 21q22.11.
Variant type: Deletion.
Coding change: c.829del on transcript NM_021254.4 (MANE Select); coding-DNA position 829, one base deleted (A; older notation c.829delA).
Protein change: p.Arg277fs; shifts the reading frame from arginine 277.
Molecular consequence: frameshift variant. On other transcripts: 3 prime UTR variant (2), intron variant (1).
Genome position (GRCh38, 1-based): chr21:32,601,907, T deleted on the plus strand (A on the coding strand, the reverse complement: CFAP298 is on the minus strand); the first of 4 consecutive T bases (chr21:32,601,907-32,601,910); deleting any one gives the same sequence. VCF-style (leftmost placement, unchanged base first): chr21-32601906-CT-C. GRCh37 (hg19) VCF-style: chr21-33974216-CT-C.
Other names: c.532del, p.Arg178fs (NM_001350334.2); c.*1182del (NM_001350335.2); c.733del, p.Arg245fs (NM_001350336.2); c.*317del (NM_001350337.2); c.666+1254del (NM_001350338.2); c.829delA (NM_021254.3); short protein forms R178fs, R245fs, R277fs.
Identifiers: ClinVar variation 1025340 (VCV001025340.7), dbSNP rs2038749156, ClinGen allele CA2386301187.